The following is an entry in ClinVar:

NM_001374736.1(DST):c.22916C>T (p.Ala7639Val)

Gene: DST (dystonin; minus strand). Cytogenetic location: 6p12.1.
Variant type: single nucleotide variant.
Coding change: c.22916C>T on transcript NM_001374736.1 (MANE Select); coding-DNA position 22916, C replaced by T.
Protein change: p.Ala7639Val; replaces alanine 7639 with valine.
Molecular consequence: missense variant.
Genome position (GRCh38, 1-based): chr6:56,463,608, G>A on the plus strand (C>T on the coding strand, the complement: DST is on the minus strand). VCF-style: chr6-56463608-G-A. GRCh37 (hg19) VCF-style: chr6-56328406-G-A.
Other names: c.16487C>T, p.Ala5496Val (NM_001144769.5); c.16073C>T, p.Ala5358Val (NM_001144770.2); c.22844C>T, p.Ala7615Val (NM_001374722.1); c.21956C>T, p.Ala7319Val (NM_001374729.1); c.15698C>T, p.Ala5233Val (NM_001374730.1); c.22871C>T, p.Ala7624Val (NM_001374734.1); c.15935C>T, p.Ala5312Val (NM_001386100.1); c.14975C>T, p.Ala4992Val (NM_015548.5); and 1 more; short protein forms A5318V, A5358V, A7615V, A5233V, A5496V, A7319V, A4992V, A7624V.
Identifiers: ClinVar variation 796218 (VCV000796218.51), dbSNP rs201429821, ClinGen allele CA3866115.

ClinVar aggregate classification (germline): Benign/Likely benign. Review status: criteria provided, multiple submitters, no conflicts (2 of 4 stars). 5 submissions from 5 submitters: Benign (1); Likely benign (1). 3 of the submissions do not count toward it. Last evaluated 2026-02-03.

Conditions:
DST-related disorder. Also called: DST-related condition; DST-related disorders.
Hereditary sensory and autonomic neuropathy type 6. Also called: HSAN VI; Neuropathy, hereditary sensory and autonomic, type VI. Identifiers: Orphanet 314381, MedGen C3539003, MONDO:0013839, OMIM 614653.
Epidermolysis bullosa simplex 3, localized or generalized intermediate, with BP230 deficiency (EBS3). Also called: Epidermolysis bullosa simplex, autosomal recessive 2; Epidermolysis bullosa simplex due to BP230 deficiency. Identifiers: Orphanet 412181, MedGen C3809470, MONDO:0014180, OMIM 615425.

Allele frequency attached by ClinVar (database versions not stated): gnomAD 0.00170 and 0.00178; gnomAD exomes 0.00213 and 0.00223; ExAC 0.00263; 1000 Genomes Project 0.00100; 1000 Genomes Project 30x 0.00078; ESP Exome Variant Server 0.00113; TOPMed 0.00083.
gnomAD v4.1: 3,356 of 1,609,280 alleles (0.21%); highest among the groups gnomAD compares: Non-Finnish European, 0.21%; 13 homozygotes.

Submissions (5):

Labcorp Genetics (formerly Invitae), Labcorp
Classification: Benign for Epidermolysis bullosa simplex 3, localized or generalized intermediate, with BP230 deficiency; Hereditary sensory and autonomic neuropathy type 6. Last evaluated: 2026-02-03. Review status: criteria provided, single submitter. Criteria: Invitae Variant Classification Sherloc (09022015). Collection method: clinical testing. Allele origin: germline.

CeGaT Center for Human Genetics Tuebingen
Classification: Likely benign. Last evaluated: 2025-12-01. Review status: criteria provided, single submitter. Criteria: CeGaT Center For Human Genetics Tuebingen Variant Classification Criteria Version 2. Collection method: clinical testing. Allele origin: germline. Affected: yes. Observed: 4 variant alleles.
Comment: DST: BP4, BS2

PreventionGenetics, part of Exact Sciences
Classification: Benign for DST-related condition. Last evaluated: 2024-07-09. Review status: no assertion criteria provided. Collection method: clinical testing. Allele origin: germline. Not counted in ClinVar's aggregate classification.
Comment: This variant is classified as benign based on ACMG/AMP sequence variant interpretation guidelines (Richards et al. 2015 PMID: 25741868, with internal and published modifications).

Clinical Genetics DNA and cytogenetics Diagnostics Lab, Erasmus MC, Erasmus Medical Center
Classification: Likely benign. Review status: no assertion criteria provided. Collection method: clinical testing. Allele origin: germline. Affected: yes. Study: VKGL Data-share Consensus. Not counted in ClinVar's aggregate classification.

Clinical Genetics, Academic Medical Center
Classification: Likely benign. Review status: no assertion criteria provided. Collection method: clinical testing. Allele origin: germline. Affected: yes. Study: VKGL Data-share Consensus. Not counted in ClinVar's aggregate classification.